The following is an entry in ClinVar:

ClinVar aggregate classification (germline): Uncertain significance (1 of 4 stars; one submission).

gnomAD v4.1: 1 of 1,612,044 alleles (0.000062%); highest among the groups gnomAD compares: African/African-American, 0.0013%; no homozygotes.

Submission:

Labcorp Genetics (formerly Invitae), Labcorp
Classification: Uncertain significance. Last evaluated: 2025-06-12. Review status: criteria provided, single submitter. Criteria: Invitae Variant Classification Sherloc (09022015). Collection method: clinical testing. Allele origin: germline.
Comment: This sequence change replaces cysteine, which is neutral and slightly polar, with serine, which is neutral and polar, at codon 63 of the DSTYK protein (p.Cys63Ser). This variant is not present in population databases (gnomAD no frequency). This variant has not been reported in the literature in individuals affected with DSTYK-related conditions. ClinVar contains an entry for this variant (Variation ID: 1943974). An algorithm developed to predict the effect of missense changes on protein structure and function (PolyPhen-2) suggests that this variant is likely to be tolerated. In summary, the available evidence is currently insufficient to determine the role of this variant in disease. Therefore, it has been classified as a Variant of Uncertain Significance.

NM_015375.3(DSTYK):c.187T>A (p.Cys63Ser)

Gene: DSTYK (dual serine/threonine and tyrosine protein kinase; minus strand). Cytogenetic location: 1q32.1.
Variant type: single nucleotide variant.
Coding change: c.187T>A on transcript NM_015375.3 (MANE Select); coding-DNA position 187, T replaced by A.
Protein change: p.Cys63Ser; replaces cysteine 63 with serine.
Molecular consequence: missense variant.
Genome position (GRCh38, 1-based): chr1:205,211,349, A>T on the plus strand (T>A on the coding strand, the complement: DSTYK is on the minus strand). VCF-style: chr1-205211349-A-T. GRCh37 (hg19) VCF-style: chr1-205180477-A-T.
Other names: c.187T>A, p.Cys63Ser (NM_199462.3); short protein forms C63S.
Identifiers: ClinVar variation 1943974 (VCV001943974.5), dbSNP rs143001609, ClinGen allele CA344403582.